The following is an entry in ClinVar:

NM_001267550.2(TTN):c.84072A>C (p.Glu28024Asp)

Genes: TTN (titin; minus strand), TTN-AS1 (TTN antisense RNA 1; plus strand). Cytogenetic location: 2q31.2.
Variant type: single nucleotide variant.
Coding change: c.84072A>C on transcript NM_001267550.2 (MANE Select); coding-DNA position 84072, A replaced by C.
Protein change: p.Glu28024Asp; replaces glutamic acid 28024 with aspartic acid.
Molecular consequence: missense variant.
Genome position (GRCh38, 1-based): chr2:178,562,060, T>G on the plus strand (A>C on the coding strand, the complement: TTN is on the minus strand). VCF-style: chr2-178562060-T-G. GRCh37 (hg19) VCF-style: chr2-179426787-T-G.
Other names: c.79149A>C, p.Glu26383Asp (NM_001256850.1); c.56877A>C, p.Glu18959Asp (NM_003319.4); c.76368A>C, p.Glu25456Asp (NM_133378.4); c.57252A>C, p.Glu19084Asp (NM_133432.3); c.57453A>C, p.Glu19151Asp (NM_133437.4); c.84072A>C (NM_001267550.1); short protein forms E25456D, E28024D, E19084D, E19151D, E26383D, E18959D.
Identifiers: ClinVar variation 283402 (VCV000283402.14), dbSNP rs377540780, ClinGen allele CA1988832.

ClinVar aggregate classification (germline): Uncertain significance. Review status: criteria provided, multiple submitters, no conflicts (2 of 4 stars). 6 submissions from 6 submitters: Uncertain significance (6). Last evaluated 2025-11-19.

Conditions:
Dilated cardiomyopathy 1G (CMD1G). Identifiers: Orphanet 154, MedGen C1858763, MONDO:0011400, OMIM 604145.
Autosomal recessive limb-girdle muscular dystrophy type 2J (LGMDR10). Also called: Limb-girdle muscular dystrophy, type 2J; MUSCULAR DYSTROPHY, LIMB-GIRDLE, AUTOSOMAL RECESSIVE 10. Identifiers: Orphanet 140922, MedGen C1837342, MONDO:0012127, OMIM 608807.
TTN-related disorder. Also called: TTN-related condition; TTN-related disease; TTN-related disorders.
Cardiovascular phenotype. Identifiers: MedGen CN230736.

Allele frequency attached by ClinVar (database versions not stated): TOPMed 0.00002; gnomAD 0.00005; ESP Exome Variant Server 0.00008; gnomAD exomes below 0.00001 and 0.00002; ExAC 0.00002.
gnomAD v4.1: 38 of 1,613,286 alleles (0.0024%); highest among the groups gnomAD compares: Non-Finnish European, 0.0029%; no homozygotes.

Submissions (6):

PreventionGenetics, part of Exact Sciences
Classification: Uncertain significance for TTN-related condition. Last evaluated: 2025-11-19. Review status: criteria provided, single submitter. Criteria: ACMG Guidelines, 2015. Collection method: clinical testing. Allele origin: germline.
Comment: The TTN c.84072A>C variant is predicted to result in the amino acid substitution p.Glu28024Asp. To our knowledge, this variant has not been reported in the literature. This variant is reported in 0.0016% of alleles in individuals of European (Non-Finnish) descent in gnomAD. At this time, the clinical significance of this variant is uncertain due to the absence of conclusive functional and genetic evidence.

GeneDx
Classification: Uncertain significance. Last evaluated: 2024-09-25. Review status: criteria provided, single submitter. Criteria: GeneDx Variant Classification Process June 2021. Collection method: clinical testing. Allele origin: germline. Affected: yes.
Comment: Not observed at significant frequency in large population cohorts (gnomAD); Missense variant in a gene in which most reported pathogenic variants are truncating/loss of function; Has not been previously published as pathogenic or benign to our knowledge; This variant is associated with the following publications: (PMID: 23975875)

Revvity Omics, Revvity
Classification: Uncertain significance. Last evaluated: 2022-09-29. Review status: criteria provided, single submitter. Criteria: ACMG Guidelines, 2015. Collection method: clinical testing. Allele origin: germline.

Ambry Genetics
Classification: Uncertain significance for Cardiovascular phenotype. Last evaluated: 2020-06-01. Review status: criteria provided, single submitter. Criteria: Ambry Variant Classification Scheme 2023. Collection method: clinical testing. Allele origin: germline.
Comment: The p.E18959D variant (also known as c.56877A>C), located in coding exon 153 of the TTN gene, results from an A to C substitution at nucleotide position 56877. The glutamic acid at codon 18959 is replaced by aspartic acid, an amino acid with highly similar properties. This amino acid position is not well conserved in available vertebrate species, and aspartic acid is the reference amino acid in other vertebrate species. In addition, this alteration is predicted to be tolerated by in silico analysis. Since supporting evidence is limited at this time, the clinical significance of this alteration remains unclear.

Labcorp Genetics (formerly Invitae), Labcorp
Classification: Uncertain significance for Dilated cardiomyopathy 1G; Autosomal recessive limb-girdle muscular dystrophy type 2J. Last evaluated: 2017-05-27. Review status: criteria provided, single submitter. Criteria: Invitae Variant Classification Sherloc (09022015). Collection method: clinical testing. Allele origin: germline.

Eurofins Ntd Llc (ga)
Classification: Uncertain significance. Last evaluated: 2015-09-22. Review status: criteria provided, single submitter. Criteria: EGL Classification Definitions 2015. Collection method: clinical testing. Allele origin: germline. Observed: 2 variant alleles, 2 heterozygotes.